The following is an entry in ClinVar:

ClinVar aggregate classification (germline): Uncertain significance (1 of 4 stars; one submission).

Conditions:
Hereditary cancer-predisposing syndrome. Also called: Neoplastic Syndromes, Hereditary; Tumor predisposition; Hereditary Cancer Syndrome; Hereditary neoplastic syndrome. Identifiers: Orphanet 140162, MedGen C0027672, MeSH D009386, MONDO:0015356.

Submission:

Ambry Genetics
Classification: Uncertain significance for Hereditary cancer-predisposing syndrome. Last evaluated: 2025-12-11. Review status: criteria provided, single submitter. Criteria: Ambry Variant Classification Scheme 2023. Collection method: clinical testing. Allele origin: germline.
Comment: The p.G1302C variant (also known as c.3904G>T), located in coding exon 25 of the ATM gene, results from a G to T substitution at nucleotide position 3904. The glycine at codon 1302 is replaced by cysteine, an amino acid with highly dissimilar properties. In an assay testing ATM function, this variant showed a functionally normal result (Lee KS et al. Cell, 2025 Sep;188:5081-5099.e27). This amino acid position is conserved. In addition, this alteration is predicted to be tolerated by in silico analysis. Based on the available evidence, the clinical significance of this variant remains unclear.

Literature cited by the submitters: PubMed 40580951.

NM_000051.4(ATM):c.3904G>T (p.Gly1302Cys)

Gene: ATM (ATM serine/threonine kinase; plus strand). Cytogenetic location: 11q22.3.
Variant type: single nucleotide variant.
Coding change: c.3904G>T on transcript NM_000051.4 (MANE Select); coding-DNA position 3904, G replaced by T.
Protein change: p.Gly1302Cys; replaces glycine 1302 with cysteine.
Molecular consequence: missense variant.
Genome position (GRCh38, 1-based): chr11:108,284,384, G>T. VCF-style: chr11-108284384-G-T. GRCh37 (hg19) VCF-style: chr11-108155111-G-T.
Other names: c.3904G>T, p.Gly1302Cys (NM_001351834.2); short protein forms G1302C.
Identifiers: ClinVar variation 1736051 (VCV001736051.3), dbSNP rs2135707999, ClinGen allele CA382525665.